The following is an entry in ClinVar:

NM_004304.5(ALK):c.4830A>T (p.Lys1610Asn)

Gene: ALK (ALK receptor tyrosine kinase; minus strand). Cytogenetic location: 2p23.2.
Variant type: single nucleotide variant.
Coding change: c.4830A>T on transcript NM_004304.5 (MANE Select); coding-DNA position 4830, A replaced by T.
Protein change: p.Lys1610Asn; replaces lysine 1610 with asparagine.
Molecular consequence: missense variant.
Genome position (GRCh38, 1-based): chr2:29,193,257, T>A on the plus strand (A>T on the coding strand, the complement: ALK is on the minus strand). VCF-style: chr2-29193257-T-A. GRCh37 (hg19) VCF-style: chr2-29416123-T-A.
Other names: c.1626A>T, p.Lys542Asn (NM_001353765.2); short protein forms K1610N, K542N.
Identifiers: ClinVar variation 950135 (VCV000950135.14), dbSNP rs766072801, ClinGen allele CA1593466.
Genomic context (GRCh38, chr2:29,193,257, plus strand): 5'-GGAAGAGAAGTGAGTGTGCGACCGAGCTCAGGGCCCAGGCTGGTTCATGCTATTCTTGCT[T>A]TTCAGAATGGTATCCTCGTAATGACCAGCTCCAGGGGCAGTAGCGGCTTCTAAGGGCAAG-3'
Protein context (NP_004295.2, residues 1600-1620): GAGHYEDTIL[Lys1610Asn]SKNSMNQPGP

ClinVar aggregate classification (germline): Uncertain significance. Review status: criteria provided, multiple submitters, no conflicts (2 of 4 stars). 3 submissions from 3 submitters: Uncertain significance (3). Last evaluated 2024-07-29.

Conditions:
Hereditary cancer-predisposing syndrome. Also called: Hereditary neoplastic syndrome; Tumor predisposition; Neoplastic Syndromes, Hereditary; Hereditary Cancer Syndrome. Identifiers: Orphanet 140162, MedGen C0027672, MeSH D009386, MONDO:0015356.
Neuroblastoma, susceptibility to, 3. Also called: ALK-Related Neuroblastic Tumor Susceptibility. Identifiers: Orphanet 635, MedGen C2751681, MONDO:0013083, OMIM 613014.

Allele frequency attached by ClinVar (database versions not stated): gnomAD 0.00001; gnomAD exomes 0.00001; ExAC 0.00002.
gnomAD v4.1: 1 of 1,614,048 alleles (0.000062%); highest among the groups gnomAD compares: African/African-American, 0.0013%; no homozygotes.

Submissions (3):

Ambry Genetics
Classification: Uncertain significance for Hereditary cancer-predisposing syndrome. Last evaluated: 2024-07-29. Review status: criteria provided, single submitter. Criteria: Ambry Variant Classification Scheme 2023. Collection method: clinical testing. Allele origin: germline.
Comment: The p.K1610N variant (also known as c.4830A>T), located in coding exon 29 of the ALK gene, results from an A to T substitution at nucleotide position 4830. The lysine at codon 1610 is replaced by asparagine, an amino acid with similar properties. This amino acid position is conserved. In addition, this alteration is predicted to be tolerated by in silico analysis. Since supporting evidence is limited at this time, the clinical significance of this alteration remains unclear.

Labcorp Genetics (formerly Invitae), Labcorp
Classification: Uncertain significance for Neuroblastoma, susceptibility to, 3. Last evaluated: 2024-06-04. Review status: criteria provided, single submitter. Criteria: Invitae Variant Classification Sherloc (09022015). Collection method: clinical testing. Allele origin: germline.
Comment: This sequence change replaces lysine, which is basic and polar, with asparagine, which is neutral and polar, at codon 1610 of the ALK protein (p.Lys1610Asn). This variant is present in population databases (rs766072801, gnomAD 0.003%). This variant has not been reported in the literature in individuals affected with ALK-related conditions. ClinVar contains an entry for this variant (Variation ID: 950135). An algorithm developed to predict the effect of missense changes on protein structure and function (PolyPhen-2) suggests that this variant is likely to be tolerated. In summary, the available evidence is currently insufficient to determine the role of this variant in disease. Therefore, it has been classified as a Variant of Uncertain Significance.

Baylor Genetics
Classification: Uncertain significance for Neuroblastoma, susceptibility to, 3. Last evaluated: 2024-02-16. Review status: criteria provided, single submitter. Criteria: ACMG Guidelines, 2015. Collection method: clinical testing. Allele origin: unknown.